The following is an entry in ClinVar:

NM_001042424.3(NSD2):c.2692G>A (p.Val898Ile)

Gene: NSD2 (nuclear receptor binding SET domain protein 2; plus strand). Cytogenetic location: 4p16.3.
Variant type: single nucleotide variant.
Coding change: c.2692G>A on transcript NM_001042424.3 (MANE Select); coding-DNA position 2692, G replaced by A.
Protein change: p.Val898Ile; replaces valine 898 with isoleucine.
Molecular consequence: missense variant.
Genome position (GRCh38, 1-based): chr4:1,955,999, G>A. VCF-style: chr4-1955999-G-A. GRCh37 (hg19) VCF-style: chr4-1957726-G-A.
Other names: c.2692G>A, p.Val898Ile (NM_133330.3, NM_133331.3, NM_133335.4); short protein forms V898I.
Identifiers: ClinVar variation 2502527 (VCV002502527.1), dbSNP rs2474638468, ClinGen allele CA355991001.

ClinVar aggregate classification (germline): Uncertain significance (1 of 4 stars; one submission).

Allele frequency attached by ClinVar (database versions not stated): gnomAD exomes 0.00001.
gnomAD v4.1: 12 of 1,614,122 alleles (0.00074%); highest among the groups gnomAD compares: Non-Finnish European, 0.001%; no homozygotes.

Submission:

GeneDx
Classification: Uncertain significance. Last evaluated: 2022-11-21. Review status: criteria provided, single submitter. Criteria: GeneDx Variant Classification Process June 2021. Collection method: clinical testing. Allele origin: germline. Affected: yes.
Comment: Not observed at significant frequency in large population cohorts (gnomAD); In silico analysis supports that this missense variant does not alter protein structure/function; Has not been previously published as pathogenic or benign to our knowledge